The following is an entry in ClinVar:

NM_000368.5(TSC1):c.967C>G (p.Pro323Ala)

Gene: TSC1 (TSC complex subunit 1; minus strand). Cytogenetic location: 9q34.13.
Variant type: single nucleotide variant.
Coding change: c.967C>G on transcript NM_000368.5 (MANE Select); coding-DNA position 967, C replaced by G.
Protein change: p.Pro323Ala; replaces proline 323 with alanine.
Molecular consequence: missense variant.
Genome position (GRCh38, 1-based): chr9:132,911,515, G>C on the plus strand (C>G on the coding strand, the complement: TSC1 is on the minus strand). VCF-style: chr9-132911515-G-C. GRCh37 (hg19) VCF-style: chr9-135786902-G-C.
Other names: c.967C>G, p.Pro323Ala (NM_001162426.2, NM_001406592.1, NM_001406593.1 and 16 more transcripts); c.814C>G, p.Pro272Ala (NM_001162427.2, NM_001406610.1, NM_001406611.1 and 2 more transcripts); c.604C>G, p.Pro202Ala (NM_001362177.2, NM_001406620.1, NM_001406621.1 and 10 more transcripts); c.16C>G, p.Pro6Ala (NM_001406626.1, NM_001406627.1, NM_001406628.1); c.-127C>G (NM_001406629.1, NM_001406630.1); short protein forms P202A, P272A, P323A, P6A.
Identifiers: ClinVar variation 2158405 (VCV002158405.5), dbSNP rs781189978, ClinGen allele CA039955.
Genomic context (GRCh38, chr9:132,911,515, plus strand): 5'-GTGGTGGTTCAGTTATCAGCCGTGTCGATGGGGAACTCAGAGTCTGAGGTAGCTGCCCTG[G>C]CATATTTAACAACATCAGCCGAGACGTGGAGTAAGGGGTAGAAGTAGCACACCCTAAAAT-3'
Protein context (NP_000359.1, residues 313-333): STSRLMLLNM[Pro323Ala]GQLPQTLSSP

ClinVar aggregate classification (germline): Conflicting classifications of pathogenicity. Review status: criteria provided, conflicting classifications (1 of 4 stars). 2 submissions from 2 submitters: Uncertain significance (1); Likely benign (1). Last evaluated 2026-04-04.

Conditions:
Hereditary cancer-predisposing syndrome. Also called: Tumor predisposition; Hereditary Cancer Syndrome; Hereditary neoplastic syndrome; Neoplastic Syndromes, Hereditary. Identifiers: Orphanet 140162, MedGen C0027672, MeSH D009386, MONDO:0015356.
Tuberous sclerosis 1 (TSC1). Identifiers: Orphanet 805, MedGen C1854465, MONDO:0008612, OMIM 191100.

Allele frequency attached by ClinVar (database versions not stated): ExAC 0.00001.
gnomAD v4.1: 4 of 1,613,380 alleles (0.00025%); highest among the groups gnomAD compares: Non-Finnish European, 0.00034%; no homozygotes.

Submissions (2):

Ambry Genetics
Classification: Uncertain significance for Hereditary cancer-predisposing syndrome. Last evaluated: 2026-04-04. Review status: criteria provided, single submitter. Criteria: Ambry Variant Classification Scheme 2023. Collection method: clinical testing. Allele origin: germline.
Comment: The p.P323A variant (also known as c.967C>G), located in coding exon 8 of the TSC1 gene, results from a C to G substitution at nucleotide position 967. The proline at codon 323 is replaced by alanine, an amino acid with highly similar properties. This amino acid position is conserved. In addition, the in silico prediction for this alteration is inconclusive. Based on the available evidence, the clinical significance of this variant remains unclear.

Labcorp Genetics (formerly Invitae), Labcorp
Classification: Likely benign for Tuberous sclerosis 1. Last evaluated: 2023-07-24. Review status: criteria provided, single submitter. Criteria: Invitae Variant Classification Sherloc (09022015). Collection method: clinical testing. Allele origin: germline.